The following is an entry in ClinVar:

NM_007129.5(ZIC2):c.2T>C (p.Met1Thr)

Gene: ZIC2 (Zic family zinc finger 2; plus strand). Cytogenetic location: 13q32.3.
Variant type: single nucleotide variant.
Coding change: c.2T>C on transcript NM_007129.5 (MANE Select); coding-DNA position 2, T replaced by C.
Protein change: p.Met1Thr; changes the start codon (methionine 1).
Molecular consequence: missense variant, initiator codon variant.
Genome position (GRCh38, 1-based): chr13:99,982,066, T>C. VCF-style: chr13-99982066-T-C. GRCh37 (hg19) VCF-style: chr13-100634320-T-C.
Other names: short protein forms M1T.
Identifiers: ClinVar variation 2809173 (VCV002809173.3), dbSNP rs2501540983, ClinGen allele CA388636344.

ClinVar aggregate classification (germline): Uncertain significance (1 of 4 stars; one submission).

Conditions:
Holoprosencephaly 5 (HPE5). Identifiers: Orphanet 2162, MedGen C1864827, MONDO:0012322, OMIM 609637.

Submission:

Labcorp Genetics (formerly Invitae), Labcorp
Classification: Uncertain significance for Holoprosencephaly 5. Last evaluated: 2023-08-17. Review status: criteria provided, single submitter. Criteria: Invitae Variant Classification Sherloc (09022015). Collection method: clinical testing. Allele origin: germline.
Comment: This sequence change affects the initiator methionine of the ZIC2 mRNA. The next in-frame methionine is located at codon 35. This variant is not present in population databases (gnomAD no frequency). This variant has not been reported in the literature in individuals affected with ZIC2-related conditions. Experimental studies and prediction algorithms are not available or were not evaluated, and the functional significance of this variant is currently unknown. In summary, the available evidence is currently insufficient to determine the role of this variant in disease. Therefore, it has been classified as a Variant of Uncertain Significance.